The following is an entry in ClinVar:

NM_020975.6(RET):c.842C>T (p.Ala281Val)

Gene: RET (ret proto-oncogene; plus strand). Cytogenetic location: 10q11.21.
Variant type: single nucleotide variant.
Coding change: c.842C>T on transcript NM_020975.6 (MANE Select); coding-DNA position 842, C replaced by T.
Protein change: p.Ala281Val; replaces alanine 281 with valine.
Molecular consequence: missense variant. On other transcripts: intron variant (22).
Genome position (GRCh38, 1-based): chr10:43,105,168, C>T. VCF-style: chr10-43105168-C-T. GRCh37 (hg19) VCF-style: chr10-43600616-C-T.
Other names: c.80C>T, p.Ala27Val (NM_001355216.2); c.842C>T, p.Ala281Val (NM_001406743.1, NM_001406744.1, NM_001406759.1 and 6 more transcripts); c.625+2539C>T (NM_001406779.1, NM_001406781.1, NM_001406787.1 and 5 more transcripts); c.496+2539C>T (NM_001406786.1, NM_001406783.1); c.338-3863C>T (NM_001406778.1, NM_001406775.1, NM_001406776.1 and 1 more transcripts); c.337+4446C>T (NM_001406790.1, NM_001406788.1, NM_001406789.1 and 1 more transcripts); c.74-3863C>T (NM_001406784.1); c.74-6931C>T (NM_001406794.1, NM_001406792.1, NM_001406793.1); and 2 more; short protein forms A185V, A281V, A238V, A27V.
Identifiers: ClinVar variation 4152809 (VCV004152809.1).

ClinVar aggregate classification (germline): Uncertain significance (1 of 4 stars; one submission).

Conditions:
Hereditary cancer-predisposing syndrome. Also called: Neoplastic Syndromes, Hereditary; Tumor predisposition; Hereditary Cancer Syndrome; Hereditary neoplastic syndrome. Identifiers: Orphanet 140162, MedGen C0027672, MeSH D009386, MONDO:0015356.

Submission:

Ambry Genetics
Classification: Uncertain significance for Hereditary cancer-predisposing syndrome. Last evaluated: 2025-08-12. Review status: criteria provided, single submitter. Criteria: Ambry Variant Classification Scheme 2023. Collection method: clinical testing. Allele origin: germline.
Comment: The p.A281V variant (also known as c.842C>T), located in coding exon 4 of the RET gene, results from a C to T substitution at nucleotide position 842. The alanine at codon 281 is replaced by valine, an amino acid with similar properties. This amino acid position is conserved. In addition, this alteration is predicted to be tolerated by in silico analysis. Based on the available evidence, the clinical significance of this variant remains unclear.